The following is an entry in ClinVar:

ClinVar aggregate classification (germline): Likely benign. Review status: criteria provided, multiple submitters, no conflicts (2 of 4 stars). 2 submissions from 2 submitters: Likely benign (2). Last evaluated 2024-08-12.

Allele frequency attached by ClinVar (database versions not stated): ExAC 0.00001; gnomAD 0.00001; gnomAD exomes 0.00001.
gnomAD v4.1: 14 of 1,603,054 alleles (0.00087%); highest among the groups gnomAD compares: Non-Finnish European, 0.0012%; no homozygotes.

Submissions (2):

Labcorp Genetics (formerly Invitae), Labcorp
Classification: Likely benign. Last evaluated: 2024-08-12. Review status: criteria provided, single submitter. Criteria: Invitae Variant Classification Sherloc (09022015). Collection method: clinical testing. Allele origin: germline.

GeneDx
Classification: Likely benign. Last evaluated: 2016-12-09. Review status: criteria provided, single submitter. Criteria: GeneDx Variant Classification (06012015). Collection method: clinical testing. Allele origin: germline. Affected: yes.
Comment: This variant is considered likely benign or benign based on one or more of the following criteria: it is a conservative change, it occurs at a poorly conserved position in the protein, it is predicted to be benign by multiple in silico algorithms, and/or has population frequency not consistent with disease.

NM_003742.4(ABCB11):c.3412-13C>T

Gene: ABCB11 (ATP binding cassette subfamily B member 11; minus strand). Cytogenetic location: 2q31.1.
Variant type: single nucleotide variant.
Coding change: c.3412-13C>T on transcript NM_003742.4 (MANE Select); 13 bases into the intron before coding-DNA position 3412, C replaced by T.
Molecular consequence: intron variant.
Genome position (GRCh38, 1-based): chr2:168,927,375, G>A on the plus strand (C>T on the coding strand, the complement: ABCB11 is on the minus strand). VCF-style: chr2-168927375-G-A. GRCh37 (hg19) VCF-style: chr2-169783885-G-A.
Other names: c.3412-13C>T (LRG_1199t1).
Identifiers: ClinVar variation 391797 (VCV000391797.5), dbSNP rs753065852, ClinGen allele CA1951023.